The following is an entry in ClinVar:

NM_001244008.2(KIF1A):c.37C>A (p.Arg13Ser)

Gene: KIF1A (kinesin family member 1A; minus strand). Cytogenetic location: 2q37.3.
Variant type: single nucleotide variant.
Coding change: c.37C>A on transcript NM_001244008.2 (MANE Select); coding-DNA position 37, C replaced by A.
Protein change: p.Arg13Ser; replaces arginine 13 with serine.
Molecular consequence: missense variant.
Genome position (GRCh38, 1-based): chr2:240,797,716, G>T on the plus strand (C>A on the coding strand, the complement: KIF1A is on the minus strand). VCF-style: chr2-240797716-G-T. GRCh37 (hg19) VCF-style: chr2-241737133-G-T.
Other names: c.37C>A, p.Arg13Ser (NM_001320705.2, NM_001330289.2, NM_001330290.2 and 20 more transcripts); short protein forms R13S.
Identifiers: ClinVar variation 421138 (VCV000421138.23), dbSNP rs1064794935, ClinGen allele CA16617514.
Genomic context (GRCh38, chr2:240,797,716, plus strand): 5'-TTCCAGACATCTGAATGATGCACTTGGAGTCACGGCTCATTTCCCGGGAATTGAAGGGGC[G>T]GACCCGCACCGCCACCTTCACCGAAGCCCCGGCCATCTCTGTGGCCTTCGTGGGTCACTC-3'
Protein context (NP_001230937.1, residues 3-23): GASVKVAVRV[Arg13Ser]PFNSREMSRD

ClinVar aggregate classification (germline): Likely pathogenic. Review status: criteria provided, multiple submitters, no conflicts (2 of 4 stars). 2 submissions from 2 submitters: Likely pathogenic (2). Last evaluated 2024-03-01.

Submissions (2):

CeGaT Center for Human Genetics Tuebingen
Classification: Likely pathogenic. Last evaluated: 2024-03-01. Review status: criteria provided, single submitter. Criteria: CeGaT Center For Human Genetics Tuebingen Variant Classification Criteria Version 2. Collection method: clinical testing. Allele origin: germline. Affected: yes. Observed: 1 variant allele.
Comment: KIF1A: PM1, PM2, PM5, PP2, PP3

GeneDx
Classification: Likely pathogenic. Last evaluated: 2016-05-16. Review status: criteria provided, single submitter. Criteria: GeneDx Variant Classification (06012015). Collection method: clinical testing. Allele origin: germline. Affected: yes.
Comment: The R13S variant has not been published as a pathogenic variant, nor has it been reported as a benign variant to our knowledge. However, a different missense variant at the same position (R13H) has been reported by another clinical laboratory as a de novo variant in an individual with learning disabilities, motor delays, spastic diplegia, and attention deficit hyperactivity disorder (Landrum et al., 2014). The R13S variant was not observed in approximately 6,200 individuals of European and African American ancestry in the NHLBI Exome Sequencing Project, indicating it is not a common benign variant in these populations. The R13S variant is a semi-conservative amino acid substitution, which may impact secondary protein structure as these residues differ in some properties. This substitution occurs at a position that is conserved across species and does occur within the predicted motor domain of the protein, where all pathogenic missense KIF1A pathogenic variants have been identified to-date (Lee et al., 2014). In silico analysis predicts this variant is probably damaging to the protein structure/function. Therefore, this variant is likely pathogenic; however, the possibility that it is benign cannot be excluded.